The following is an entry in ClinVar:

ClinVar aggregate classification (germline): Pathogenic/Likely pathogenic. Review status: criteria provided, multiple submitters, no conflicts (2 of 4 stars). 10 submissions from 10 submitters: Pathogenic (5); Likely pathogenic (4). 1 of the submissions does not count toward it. Last evaluated 2026-04-14.

Conditions:
Progressive familial intrahepatic cholestasis (PFIC). Also called: Progressive family intrahepatic cholestasis; Progressive intrahepatic cholestasis. Identifiers: Orphanet 172, MedGen C0268312, MONDO:0015762.
Progressive familial intrahepatic cholestasis type 2. Identifiers: Orphanet 79304, MedGen C3489789, MONDO:0011156, OMIM 601847.
Benign recurrent intrahepatic cholestasis type 2 (BRIC2). Also called: Recurrent familial intrahepatic cholestasis 2. Identifiers: Orphanet 65682, Orphanet 99961, MedGen C2608083, MONDO:0011559, OMIM 605479.
ABCB11-related disorder. Also called: ABCB11-related condition.
Familial intrahepatic cholestasis. Identifiers: Orphanet 284385, MedGen CN296401, MONDO:0017290.

Allele frequency attached by ClinVar (database versions not stated): TOPMed below 0.00001; ExAC 0.00001; gnomAD 0.00001; gnomAD exomes 0.00001; 1000 Genomes Project 30x 0.00016; 1000 Genomes Project 0.00020.
gnomAD v4.1: 38 of 1,611,410 alleles (0.0024%); highest among the groups gnomAD compares: East Asian, 0.0045%; no homozygotes.

Submissions (10):

Genomenon, Inc
Classification: Likely pathogenic for Familial intrahepatic cholestasis. Last evaluated: 2026-04-14. Review status: criteria provided, single submitter. Criteria: Genomenon Sequence Variant Interpretation Standards - Updated. Collection method: curation. Allele origin: germline. Affected: yes.
Comment: ABCB11 p.Ala167Thr (c.499G>A) is a missense variant that changes the amino acid at residue 167 from Alanine to Threonine. This variant has been observed in at least one proband with an ABCB11-related disorder (PMID:41165782;32087350;28119944;25847299;19845854;20232290;24627769). It has been observed in trans with a pathogenic or likely pathogenic variant (PMID:20232290). It is absent or not present at a significant frequency in gnomAD. In silico models predict that this variant is possibly or probably damaging. In conclusion, we classify ABCB11 p.Ala167Thr (c.499G>A) as a likely pathogenic variant.

Victorian Clinical Genetics Services, Murdoch Childrens Research Institute
Classification: Pathogenic for Benign recurrent intrahepatic cholestasis type 2. Last evaluated: 2026-04-09. Review status: criteria provided, single submitter. Criteria: ACMG Guidelines, 2015. Collection method: clinical testing. Allele origin: germline. Affected: yes.
Comment: This variant is classified as Pathogenic. Evidence in support of pathogenic classification: Variant is present in gnomAD <0.01 for a recessive condition (v4: 38 heterozygote(s), 0 homozygote(s)). - This variant has strong previous evidence of pathogenicity in unrelated individuals. This variant has been classified as pathogenic or likely pathogenic by clinical laboratories in ClinVar. It has also been reported in the literature in a homozygous or compound heterozygous state in individuals with cholestasis (PMIDs: 19845854, 25847299, 24627769); Missense variant predicted to be damaging by in silico tool(s) with uninformative conservation. Additional information: Variant is predicted to result in a missense amino acid change from Ala to Thr; This variant is heterozygous; This gene is associated with autosomal recessive disease; Alternative amino acid change(s) at the same position are present in gnomAD (highest allele count: v4: 1 heterozygote(s), 0 homozygote(s)). - Variant is located in the annotated ABC transporter transmembrane region (DECIPHER). - Loss of function is a known mechanism of disease in this gene and is associated with cholestasis, benign recurrent intrahepatic, 2 (MIM#605479), and cholestasis, progressive familial intrahepatic 2 (MIM#601847); Inheritance information for this variant is not currently available in this individual.

Broad Center for Mendelian Genomics, Broad Institute of MIT and Harvard
Classification: Likely pathogenic for Progressive familial intrahepatic cholestasis type 2. Last evaluated: 2025-02-03. Review status: criteria provided, single submitter. Criteria: ACMG Guidelines, 2015. Collection method: curation. Allele origin: germline. Inheritance: Autosomal recessive inheritance.
Comment: The p.Ala167Thr variant in ABCB11 has been reported in six individuals with BSEP deficiency (PMID: 19845854, 20232290, 24627769, 28119944, 35257483;:10.33612:diss.133430251), and has been identified in 0.004% (2/44752) of East Asian chromosomes by the Genome Aggregation Database (gnomAD; dbSNP rs139641883). Although this variant has been seen in the general population in a heterozygous state, its frequency is low enough to be consistent with a recessive carrier frequency. This variant has also been reported in ClinVar (Variation ID: 1446335) and has been interpreted as pathogenic by Invitae. Of the six affected individuals, one was a compound heterozygote that carried a reported pathogenic variant in trans, two were compound heterozygotes that carried a reported pathogenic variant with unknown phase, and one was a homozygote, which increases the likelihood that the p.Ala167Thr variant is pathogenic (Variation ID: 1076791, 288726; PMID: 19845854, 20232290, 24627769, 28119944). Computational prediction tools and conservation analyses suggest that this variant may impact the protein, though this information is not predictive enough to determine pathogenicity. In summary, although additional studies are required to fully establish its clinical significance, this variant is likely pathogenic for autosomal recessive BSEP deficiency. ACMG/AMP Criteria applied: PM3_strong, PP3_moderate, PM2_supporting (Richards 2015).

Natera, Inc.
Classification: Likely pathogenic for Progressive familial intrahepatic cholestasis type 2. Last evaluated: 2024-07-30. Review status: criteria provided, single submitter. Criteria: Natera Variant Classification Schema (03/2026). Collection method: clinical testing. Allele origin: germline.
Comment: The c.499G>A variant in ABCB11 is a missense variant predicted to cause substitution of alanine to threonine at amino acid 167. This variant is rare in the general population with a frequency below the threshold expected for the associated phenotype(s). This variant has been observed in one or more individuals affected with the associated recessive disease, as either homozygous or compound heterozygous with a second variant (PMID: 32808743, 32087350, 28119944, 25847299, 24627769). Computational prediction algorithms indicate this variant is likely to affect gene or protein function. Given the available evidence, this variant is classified as Likely Pathogenic.

Labcorp Genetics (formerly Invitae), Labcorp
Classification: Pathogenic. Last evaluated: 2024-04-10. Review status: criteria provided, single submitter. Criteria: Invitae Variant Classification Sherloc (09022015). Collection method: clinical testing. Allele origin: germline.
Comment: This sequence change replaces alanine, which is neutral and non-polar, with threonine, which is neutral and polar, at codon 167 of the ABCB11 protein (p.Ala167Thr). This variant is present in population databases (rs139641883, gnomAD 0.003%). This missense change has been observed in individuals with progressive familial intrahepatic cholestasis (PMID: 19845854, 20232290, 24627769, 28119944). ClinVar contains an entry for this variant (Variation ID: 1446335). Advanced modeling of protein sequence and biophysical properties (such as structural, functional, and spatial information, amino acid conservation, physicochemical variation, residue mobility, and thermodynamic stability) has been performed at Invitae for this missense variant, however the output from this modeling did not meet the statistical confidence thresholds required to predict the impact of this variant on ABCB11 protein function. For these reasons, this variant has been classified as Pathogenic.

Fulgent Genetics
Classification: Likely pathogenic for Progressive familial intrahepatic cholestasis type 2; Benign recurrent intrahepatic cholestasis type 2. Last evaluated: 2024-04-06. Review status: criteria provided, single submitter. Criteria: ACMG Guidelines, 2015. Collection method: clinical testing. Allele origin: germline.

Women's Health and Genetics/Laboratory Corporation of America, LabCorp
Classification: Pathogenic for Progressive familial intrahepatic cholestasis. Last evaluated: 2024-04-03. Review status: criteria provided, single submitter. Criteria: LabCorp Variant Classification Summary - May 2015. Collection method: clinical testing. Allele origin: germline.
Comment: Variant summary: ABCB11 c.499G>A (p.Ala167Thr) results in a non-conservative amino acid change located in the ABC transporter type 1, transmembrane domain of the encoded protein sequence. Five of five in-silico tools predict a damaging effect of the variant on protein function. The variant allele was found at a frequency of 1.2e-05 in 247276 control chromosomes. c.499G>A has been reported in the literature in multiple individuals affected with Familial Intrahepatic Cholestasis (Davit-Spraul_2010, Li_2020, Liu_2010, McKay_2013, Collyer_2016, Wang_2021). These data indicate that the variant is very likely to be associated with disease. To our knowledge, no experimental evidence demonstrating an impact on protein function has been reported. The following publications have been ascertained in the context of this evaluation (PMID: 28119944, 20232290, 32808743, 19845854, 24627769, 35257483). ClinVar contains an entry for this variant (Variation ID: 1446335). Based on the evidence outlined above, the variant was classified as pathogenic.

Baylor Genetics
Classification: Pathogenic for Benign recurrent intrahepatic cholestasis type 2. Last evaluated: 2024-03-03. Review status: criteria provided, single submitter. Criteria: ACMG Guidelines, 2015. Collection method: clinical testing. Allele origin: unknown.

Mayo Clinic Laboratories, Mayo Clinic
Classification: Pathogenic. Last evaluated: 2023-11-03. Review status: criteria provided, single submitter. Criteria: ACMG Guidelines, 2015. Collection method: clinical testing. Allele origin: germline. Observed: 1 variant allele.
Comment: PP3, PP4, PM2_moderate, PM3_strong, PS4_moderate

PreventionGenetics, part of Exact Sciences
Classification: Likely pathogenic for ABCB11-related condition. Last evaluated: 2024-02-13. Review status: no assertion criteria provided. Collection method: clinical testing. Allele origin: germline. Not counted in ClinVar's aggregate classification.
Comment: The ABCB11 c.499G>A variant is predicted to result in the amino acid substitution p.Ala167Thr. This variant was reported in the homozygous and compound heterozygous states in at least five unrelated individuals with intrahepatic cholestasis (Liu et al. 2009. PubMed ID: 19845854; Davit-Spraul et al. 2010. PubMed ID: 20232290; McKay et al. 2013. PubMed ID: 24627769; Collyer et al. 2016. PubMed ID: 28119944; Wang et al. 2022. PubMed ID: 35257483). This variant is reported in 0.0033% of alleles in individuals of South Asian descent in gnomAD. Different substitutions at this amino acid position (p.Ala167Val, p.Ala167Glu) have also been reported in individuals with intrahepatic cholestasis (Byrne et al. 2009. PubMed ID: 19101985; Li et al. 2020. PubMed ID: 32808743). Taken together, the c.499G>A (p.Ala167Thr) variant is interpreted as likely pathogenic.

Literature cited by the submitters: PubMed 41165782 (cited by Genomenon, Inc); PubMed 32087350 (cited by Genomenon, Inc and Natera, Inc.); PubMed 28119944 (cited by 5 submitters); PubMed 25847299 (cited by 4 submitters); PubMed 19845854 (cited by 5 submitters); PubMed 20232290 (cited by 4 submitters); PubMed 24627769 (cited by 6 submitters); PubMed 32808743 (cited by 3 submitters); PubMed 35257483 (cited by Women's Health and Genetics/Laboratory Corporation of America, LabCorp and Mayo Clinic Laboratories, Mayo Clinic); PubMed 27239116 (cited by Mayo Clinic Laboratories, Mayo Clinic).

NM_003742.4(ABCB11):c.499G>A (p.Ala167Thr)

Gene: ABCB11 (ATP binding cassette subfamily B member 11; minus strand). Cytogenetic location: 2q31.1.
Variant type: single nucleotide variant.
Coding change: c.499G>A on transcript NM_003742.4 (MANE Select); coding-DNA position 499, G replaced by A.
Protein change: p.Ala167Thr; replaces alanine 167 with threonine.
Molecular consequence: missense variant.
Genome position (GRCh38, 1-based): chr2:168,995,461, C>T on the plus strand (G>A on the coding strand, the complement: ABCB11 is on the minus strand). VCF-style: chr2-168995461-C-T. GRCh37 (hg19) VCF-style: chr2-169851971-C-T.
Other names: p.Ala167Thr; NM_003742.4(ABCB11):c.499G>A; c.499G>A (NM_003742.2); short protein forms A167T.
Identifiers: ClinVar variation 1446335 (VCV001446335.19), dbSNP rs139641883, ClinGen allele CA1951859.